The following is an entry in ClinVar:

ClinVar aggregate classification (germline): Uncertain significance. Review status: criteria provided, multiple submitters, no conflicts (2 of 4 stars). 2 submissions from 2 submitters: Uncertain significance (2). Last evaluated 2024-10-14.

Conditions:
Dilated cardiomyopathy 1DD (CMD1DD). Identifiers: Orphanet 154, MedGen C2750995, MONDO:0013168, OMIM 613172.
Cardiovascular phenotype. Identifiers: MedGen CN230736.

gnomAD v4.1: 4 of 1,552,128 alleles (0.00026%); highest among the groups gnomAD compares: South Asian, 0.0024%; no homozygotes.

Submissions (2):

Ambry Genetics
Classification: Uncertain significance for Cardiovascular phenotype. Last evaluated: 2024-10-14. Review status: criteria provided, single submitter. Criteria: Ambry Variant Classification Scheme 2023. Collection method: clinical testing. Allele origin: germline.
Comment: The p.N582I variant (also known as c.1745A>T), located in coding exon 7 of the RBM20 gene, results from an A to T substitution at nucleotide position 1745. The asparagine at codon 582 is replaced by isoleucine, an amino acid with dissimilar properties. This amino acid position is conserved. In addition, the in silico prediction for this alteration is inconclusive. Since supporting evidence is limited at this time, the clinical significance of this alteration remains unclear.

Labcorp Genetics (formerly Invitae), Labcorp
Classification: Uncertain significance for Dilated cardiomyopathy 1DD. Last evaluated: 2024-01-06. Review status: criteria provided, single submitter. Criteria: Invitae Variant Classification Sherloc (09022015). Collection method: clinical testing. Allele origin: germline.
Comment: This sequence change replaces asparagine, which is neutral and polar, with isoleucine, which is neutral and non-polar, at codon 582 of the RBM20 protein (p.Asn582Ile). This variant is present in population databases (no rsID available, gnomAD 0.004%). This variant has not been reported in the literature in individuals affected with RBM20-related conditions. ClinVar contains an entry for this variant (Variation ID: 1779277). Advanced modeling of protein sequence and biophysical properties (such as structural, functional, and spatial information, amino acid conservation, physicochemical variation, residue mobility, and thermodynamic stability) has been performed at Invitae for this missense variant, however the output from this modeling did not meet the statistical confidence thresholds required to predict the impact of this variant on RBM20 protein function. In summary, the available evidence is currently insufficient to determine the role of this variant in disease. Therefore, it has been classified as a Variant of Uncertain Significance.

NM_001134363.3(RBM20):c.1745A>T (p.Asn582Ile)

Gene: RBM20 (RNA binding motif protein 20; plus strand). Cytogenetic location: 10q25.2.
Variant type: single nucleotide variant.
Coding change: c.1745A>T on transcript NM_001134363.3 (MANE Select); coding-DNA position 1745, A replaced by T.
Protein change: p.Asn582Ile; replaces asparagine 582 with isoleucine.
Molecular consequence: missense variant.
Genome position (GRCh38, 1-based): chr10:110,799,863, A>T. VCF-style: chr10-110799863-A-T. GRCh37 (hg19) VCF-style: chr10-112559621-A-T.
Other names: short protein forms N582I.
Identifiers: ClinVar variation 1779277 (VCV001779277.4), dbSNP rs890837429, ClinGen allele CA378390797.